The following is an entry in ClinVar:

NM_000304.4(PMP22):c.434del (p.Leu145fs)

Gene: PMP22 (peripheral myelin protein 22; minus strand). Cytogenetic location: 17p12.
Variant type: Deletion.
Coding change: c.434del on transcript NM_000304.4 (MANE Select); coding-DNA position 434, one base deleted (T; older notation c.434delT).
Protein change: p.Leu145fs; shifts the reading frame from leucine 145.
Molecular consequence: frameshift variant. On other transcripts: non-coding transcript variant (2).
Genome position (GRCh38, 1-based): chr17:15,230,966, A deleted on the plus strand (T on the coding strand, the reverse complement: PMP22 is on the minus strand). VCF-style (leftmost placement, unchanged base first): chr17-15230965-CA-C. GRCh37 (hg19) VCF-style: chr17-15134282-CA-C.
Other names: c.434del, p.Leu145fs (NM_001281455.2, NM_001281456.2, NM_153321.3 and 1 more transcripts); c.434delT (NM_000304.4); c.434del (NM_000304.3); short protein forms L145fs.
Identifiers: ClinVar variation 217238 (VCV000217238.19), dbSNP rs863225029, ClinGen allele CA279068.

ClinVar aggregate classification (germline): Pathogenic/Likely pathogenic. Review status: criteria provided, multiple submitters, no conflicts (2 of 4 stars). 8 submissions from 8 submitters: Pathogenic (6); Likely pathogenic (2). Last evaluated 2026-05-07.

Conditions:
PMP22-related disorder. Also called: PMP22-related disorders; PMP22-related condition.
Inborn genetic diseases. Identifiers: MedGen C0950123, MeSH D030342.
Guillain-Barre syndrome, familial (GBS). Identifiers: Orphanet 98916, MedGen C4083008, MONDO:0007691, OMIM 139393.
Charcot-Marie-Tooth disease type 1E. Also called: CHARCOT-MARIE-TOOTH NEUROPATHY AND DEAFNESS, AUTOSOMAL DOMINANT; Charcot-Marie-Tooth Neuropathy Type 1E; Charcot-Marie-Tooth disease and deafness; CHARCOT-MARIE-TOOTH DISEASE, DEMYELINATING, TYPE 1E. Identifiers: Orphanet 90658, MedGen C3495591, MONDO:0007311, OMIM 118300.
Charcot-Marie-Tooth disease, type IA (CMT1A). Also called: CHARCOT-MARIE-TOOTH DISEASE, DEMYELINATING, TYPE 1A; CHARCOT-MARIE-TOOTH NEUROPATHY, TYPE 1A; CHARCOT-MARIE-TOOTH DISEASE, AUTOSOMAL DOMINANT, WITH FOCALLY FOLDED MYELIN SHEATHS, TYPE 1A; HEREDITARY MOTOR AND SENSORY NEUROPATHY IA; Charcot-Marie-Tooth disease type 1A; CMT 1A. Identifiers: Orphanet 101081, MedGen C0270911, MONDO:0007309, OMIM 118220.
Roussy-Lévy syndrome. Also called: Roussy-Levy Syndrome; Roussy Levy hereditary areflexic dystasia; Roussy-Levy disease; Hereditary areflexic dystasia. Identifiers: Orphanet 3115, MedGen C0205713, MONDO:0008392, OMIM 180800.
Dejerine-Sottas disease. Also called: Charcot-Marie-Tooth disease type 3; HMSN Type III; DEJERINE-SOTTAS NEUROPATHY; HEREDITARY MOTOR AND SENSORY NEUROPATHY TYPE III; Hereditary motor and sensory neuropathy 3. Identifiers: Orphanet 64748, MedGen C0011195, MONDO:0007790, OMIM 145900.
Hereditary liability to pressure palsies (HNPP). Also called: POLYNEUROPATHY, FAMILIAL RECURRENT; TOMACULOUS NEUROPATHY; Hereditary Neuropathy with Liability to Pressure Palsies. Identifiers: Orphanet 640, MedGen C0393814, MONDO:0008087, OMIM 162500.
Charcot-Marie-Tooth disease, type I (CMT1). Also called: Charcot-Marie-Tooth, Type 1; Charcot-Marie-Tooth disease type 1. Identifiers: Orphanet 65753, MedGen C0751036, MONDO:0019011.

Allele frequency attached by ClinVar (database versions not stated): gnomAD exomes below 0.00001.

Submissions (8):

Women's Health and Genetics/Laboratory Corporation of America, LabCorp
Classification: Pathogenic for PMP22-Related Disorders. Last evaluated: 2026-05-07. Review status: criteria provided, single submitter. Criteria: LabCorp Variant Classification Summary - May 2015. Collection method: clinical testing. Allele origin: germline.
Comment: Variant summary: PMP22 c.434delT (p.Leu145ArgfsX10) results in a premature termination codon, predicted to cause a truncation of the encoded protein or absence of the protein due to nonsense mediated decay, which are commonly known mechanisms for disease. The variant allele was found at a frequency of 4e-06 in 251328 control chromosomes (gnomAD). c.434delT has been observed in multiple individuals affected with features of Hereditary liability to pressure palsies or Charcot-Marie-Tooth disease (e.g. Benedetti_2010, Beydoun_2013). These data indicate that the variant is very likely to be associated with disease. The following publications have been ascertained in the context of this evaluation (PMID: 23965407, 21149811). ClinVar contains an entry for this variant (Variation ID: 217238). Based on the evidence outlined above, the variant was classified as pathogenic.

GeneDx
Classification: Likely pathogenic. Last evaluated: 2026-05-06. Review status: criteria provided, single submitter. Criteria: GeneDx Variant Classification Process June 2021. Collection method: clinical testing. Allele origin: germline.
Comment: Frameshift variant predicted to result in abnormal protein length as the last 16 amino acids are replaced with 9 different amino acids, and other similar variants have been reported in HGMD; Not observed at significant frequency in large population cohorts (gnomAD); This variant is associated with the following publications: (PMID: 23965407, 21149811, 32719652, 31393079, 29653220, 21252112, 38432886, 35027655, 32538861, 25429913, 20516806, 28286897, 38871447)

Labcorp Genetics (formerly Invitae), Labcorp
Classification: Pathogenic for Charcot-Marie-Tooth disease, type I. Last evaluated: 2026-01-25. Review status: criteria provided, single submitter. Criteria: Invitae Variant Classification Sherloc (09022015). Collection method: clinical testing. Allele origin: germline.
Comment: This sequence change creates a premature translational stop signal (p.Leu145Argfs*10) in the PMP22 gene. While this is not anticipated to result in nonsense mediated decay, it is expected to disrupt the last 16 amino acid(s) of the PMP22 protein. This variant is present in population databases (no rsID available, gnomAD 0.003%). This premature translational stop signal has been observed in individuals with hereditary neuropathy with liability to pressure palsy (HNPP) (PMID: 21149811, 21252112, 23965407). It has also been observed to segregate with disease in related individuals. ClinVar contains an entry for this variant (Variation ID: 217238). For these reasons, this variant has been classified as Pathogenic.

Athena Diagnostics
Classification: Pathogenic. Last evaluated: 2024-04-19. Review status: criteria provided, single submitter. Criteria: Athena Diagnostics Criteria. Collection method: clinical testing. Allele origin: unknown.
Comment: This variant is expected to result in the loss of a functional protein. The frequency of this variant in the general population is consistent with pathogenicity. This variant has been identified in multiple unrelated individuals with HNPP.

Fulgent Genetics
Classification: Pathogenic for Charcot-Marie-Tooth disease, type IA; Charcot-Marie-Tooth disease type 1E; Guillain-Barre syndrome, familial; Dejerine-Sottas disease; Hereditary liability to pressure palsies; Roussy-Lévy syndrome. Last evaluated: 2024-04-19. Review status: criteria provided, single submitter. Criteria: ACMG Guidelines, 2015. Collection method: clinical testing. Allele origin: germline.

Genetics and Molecular Pathology, SA Pathology
Classification: Pathogenic for Charcot-Marie-Tooth disease, type IA. Last evaluated: 2022-06-17. Review status: criteria provided, single submitter. Criteria: ACMG Guidelines, 2015. Collection method: clinical testing. Allele origin: germline. Affected: yes.

Ambry Genetics
Classification: Likely pathogenic for Inborn genetic diseases. Last evaluated: 2020-05-22. Review status: criteria provided, single submitter. Criteria: Ambry Variant Classification Scheme 2023. Collection method: clinical testing. Allele origin: germline.
Comment: The c.434delT variant, located in coding exon 4 of the PMP22 gene, results from a deletion of one nucleotide at nucleotide position 434, causing a translational frameshift with a predicted alternate stop codon (p.L145Rfs*10). Frameshifts are typically deleterious in nature; however, this frameshift occurs at the 3' terminus of PMP22, is not expected to trigger nonsense-mediated mRNA decay, and impacts only the last 16 amino acids of the protein. The exact functional impact of these altered amino acids is unknown at this time. This variant has been reported in several families with hereditary neuropathy with liability to pressure palsies (HNPP) (Taioli F et al. Brain, 2011 Feb;134:608-17; Benedetti S et al. Arch. Neurol., 2010 Dec;67:1498-505; Beydoun SR et al. J Clin Neuromuscul Dis, 2013 Sep;15:28-33; Manganelli F et al. J. Peripher. Nerv. Syst., 2014 Dec;19:292-8) and in families with other inherited neuropathy syndromes, including Charcot-Marie-Tooth disease (Vaeth S et al. Eur J Med Genet, 2019 Jan;62:1-8; Lerat J et al. Mol Genet Genomic Med, 2019 09;7:e839; Simpson BS et al. J Clin Neuromuscul Dis, 2010 Jun;11:187-90). Based on the majority of available evidence to date, this variant is likely to be pathogenic.

Centre for Mendelian Genomics, University Medical Centre Ljubljana
Classification: Pathogenic for Roussy-Lévy syndrome. Last evaluated: 2016-01-01. Review status: criteria provided, single submitter. Criteria: ACMG Guidelines, 2015. Collection method: clinical testing. Allele origin: unknown. Affected: yes.
Comment: This variant was classified as: Pathogenic.

Literature cited by the submitters: PubMed 21149811 (cited by 4 submitters); PubMed 23965407 (cited by 4 submitters); PubMed 21252112 (cited by 3 submitters); PubMed 25429913 (cited by Athena Diagnostics and Ambry Genetics); PubMed 28286897 (cited by Athena Diagnostics); PubMed 35027655 (cited by Athena Diagnostics); PubMed 31393079 (cited by Athena Diagnostics and Ambry Genetics); PubMed 32538861 (cited by Athena Diagnostics); PubMed 32719652 (cited by Athena Diagnostics); PubMed 29653220 (cited by Athena Diagnostics and Ambry Genetics); PubMed 20516806 (cited by Ambry Genetics).